The following is an entry in ClinVar:

ClinVar aggregate classification (germline): Pathogenic/Likely pathogenic. Review status: criteria provided, multiple submitters, no conflicts (2 of 4 stars). 2 submissions from 2 submitters: Pathogenic (1); Likely pathogenic (1). Last evaluated 2023-08-09.

Conditions:
Mitochondrial DNA depletion syndrome 1. Also called: Mitochondrial neurogastrointestinal encephalomyopathy syndrome; Mitochondrial Neurogastrointestinal Encephalopathy Disease; Mitochondrial DNA Depletion Syndrome, MNGIE Form; POLIP SYNDROME; POLYNEUROPATHY, OPHTHALMOPLEGIA, LEUKOENCEPHALOPATHY, AND INTESTINAL PSEUDOOBSTRUCTION; MITOCHONDRIAL NEUROGASTROINTESTINAL ENCEPHALOPATHY SYNDROME, TYMP-RELATED. Identifiers: Orphanet 298, MedGen C4551995, MONDO:0011283, OMIM 603041.

gnomAD v4.1: 4 of 1,611,752 alleles (0.00025%); highest among the groups gnomAD compares: Non-Finnish European, 0.00034%; no homozygotes.

Submissions (2):

Baylor Genetics
Classification: Likely pathogenic for Mitochondrial DNA depletion syndrome 1. Last evaluated: 2023-08-09. Review status: criteria provided, single submitter. Criteria: ACMG Guidelines, 2015. Collection method: clinical testing. Allele origin: unknown.

Labcorp Genetics (formerly Invitae), Labcorp
Classification: Pathogenic. Last evaluated: 2019-08-25. Review status: criteria provided, single submitter. Criteria: Invitae Variant Classification Sherloc (09022015). Collection method: clinical testing. Allele origin: germline.
Comment: For these reasons, this variant has been classified as Pathogenic. Loss-of-function variants in TYMP are known to be pathogenic (PMID: 9924029, 15781193). Algorithms developed to predict the effect of sequence changes on RNA splicing suggest that this variant may create or strengthen a splice site, but this prediction has not been confirmed by published transcriptional studies. This variant has not been reported in the literature in individuals with TYMP-related conditions. This variant is not present in population databases (ExAC no frequency). This sequence change creates a premature translational stop signal (p.Gln174*) in the TYMP gene. It is expected to result in an absent or disrupted protein product.

Literature cited by the submitters: PubMed 9924029 (cited by Labcorp Genetics (formerly Invitae), Labcorp); PubMed 15781193 (cited by Labcorp Genetics (formerly Invitae), Labcorp).

NM_001953.5(TYMP):c.520C>T (p.Gln174Ter)

Gene: TYMP (thymidine phosphorylase; minus strand). Cytogenetic location: 22q13.33.
Variant type: single nucleotide variant.
Coding change: c.520C>T on transcript NM_001953.5 (MANE Select); coding-DNA position 520, C replaced by T.
Protein change: p.Gln174Ter; replaces glutamine 174 with a stop codon.
Molecular consequence: nonsense.
Genome position (GRCh38, 1-based): chr22:50,527,714, G>A on the plus strand (C>T on the coding strand, the complement: TYMP is on the minus strand). VCF-style: chr22-50527714-G-A. GRCh37 (hg19) VCF-style: chr22-50966143-G-A.
Other names: c.520C>T, p.Gln174Ter (NM_001113755.3, NM_001113756.3, NM_001257988.1 and 1 more transcripts); short protein forms Q174*.
Identifiers: ClinVar variation 960929 (VCV000960929.8), dbSNP rs2069446068, ClinGen allele CA412201519.